The following is an entry in ClinVar:

ClinVar aggregate classification (germline): Uncertain significance. Review status: criteria provided, multiple submitters, no conflicts (2 of 4 stars). 2 submissions from 2 submitters: Uncertain significance (2). Last evaluated 2025-08-05.

Allele frequency attached by ClinVar (database versions not stated): gnomAD exomes below 0.00001; TOPMed below 0.00001; gnomAD 0.00001.
gnomAD v4.1: 6 of 1,612,252 alleles (0.00037%); highest among the groups gnomAD compares: African/African-American, 0.0053%; no homozygotes.

Submissions (2):

Ambry Genetics
Classification: Uncertain significance. Last evaluated: 2025-08-05. Review status: criteria provided, single submitter. Criteria: Ambry Variant Classification Scheme 2023. Collection method: clinical testing. Allele origin: germline.

Labcorp Genetics (formerly Invitae), Labcorp
Classification: Uncertain significance. Last evaluated: 2023-08-04. Review status: criteria provided, single submitter. Criteria: Invitae Variant Classification Sherloc (09022015). Collection method: clinical testing. Allele origin: germline.
Comment: This sequence change replaces alanine, which is neutral and non-polar, with serine, which is neutral and polar, at codon 312 of the PLXNA2 protein (p.Ala312Ser). This variant is present in population databases (no rsID available, gnomAD 0.007%). This variant has not been reported in the literature in individuals affected with PLXNA2-related conditions. ClinVar contains an entry for this variant (Variation ID: 1966209). Advanced modeling of protein sequence and biophysical properties (such as structural, functional, and spatial information, amino acid conservation, physicochemical variation, residue mobility, and thermodynamic stability) performed at Invitae indicates that this missense variant is not expected to disrupt PLXNA2 protein function. In summary, the available evidence is currently insufficient to determine the role of this variant in disease. Therefore, it has been classified as a Variant of Uncertain Significance.

NM_025179.4(PLXNA2):c.934G>T (p.Ala312Ser)

Gene: PLXNA2 (plexin A2; minus strand). Cytogenetic location: 1q32.2.
Variant type: single nucleotide variant.
Coding change: c.934G>T on transcript NM_025179.4 (MANE Select); coding-DNA position 934, G replaced by T.
Protein change: p.Ala312Ser; replaces alanine 312 with serine.
Molecular consequence: missense variant.
Genome position (GRCh38, 1-based): chr1:208,216,989, C>A on the plus strand (G>T on the coding strand, the complement: PLXNA2 is on the minus strand). VCF-style: chr1-208216989-C-A. GRCh37 (hg19) VCF-style: chr1-208390334-C-A.
Other names: c.934G>T (NM_025179.3); short protein forms A312S.
Identifiers: ClinVar variation 1966209 (VCV001966209.6), dbSNP rs1431408286, ClinGen allele CA344557957.
Genomic context (GRCh38, chr1:208,216,989, plus strand): 5'-CCTGGCTGGTGATATTGAAGGCCTGGGCCAGTGAGTCCCCAGGCTTGGCCAGGTAAGCAG[C>A]CTGCAGGAGGCGGTATTCCACCCCGGCCCGGGTGCAGCCGAAGGGCAGGGACACGTATGA-3'
Protein context (NP_079455.3, residues 302-322): RAGVEYRLLQ[Ala312Ser]AYLAKPGDSL